The following is an entry in ClinVar:

NM_001126108.2(SLC12A3):c.2377G>A (p.Val793Met)

Gene: SLC12A3 (solute carrier family 12 member 3; plus strand). Cytogenetic location: 16q13.
Variant type: single nucleotide variant.
Coding change: c.2377G>A on transcript NM_001126108.2 (MANE Select); coding-DNA position 2377, G replaced by A.
Protein change: p.Val793Met; replaces valine 793 with methionine.
Molecular consequence: missense variant.
Genome position (GRCh38, 1-based): chr16:56,892,091, G>A. VCF-style: chr16-56892091-G-A. GRCh37 (hg19) VCF-style: chr16-56926003-G-A.
Other names: c.2377G>A, p.Val793Met (NM_000339.3); c.2374G>A, p.Val792Met (NM_001126107.2, NM_001410896.1); short protein forms V793M, V792M.
Identifiers: ClinVar variation 2201038 (VCV002201038.2), dbSNP rs761423647, ClinGen allele CA8069872.

ClinVar aggregate classification (germline): Uncertain significance. Review status: criteria provided, multiple submitters, no conflicts (2 of 4 stars). 2 submissions from 2 submitters: Uncertain significance (2). Last evaluated 2024-02-27.

Conditions:
Familial hypokalemia-hypomagnesemia (GTLMNS). Also called: HYPOMAGNESEMIA-HYPOKALEMIA, PRIMARY RENOTUBULAR, WITH HYPOCALCIURIA; POTASSIUM AND MAGNESIUM DEPLETION; gitelman syndrome. Identifiers: Orphanet 358, MedGen C0268450, MONDO:0009904, OMIM 263800.

Allele frequency attached by ClinVar (database versions not stated): ExAC 0.00005; gnomAD exomes 0.00002; gnomAD 0.00003; TOPMed 0.00002.
gnomAD v4.1: 36 of 1,613,394 alleles (0.0022%); highest among the groups gnomAD compares: Non-Finnish European, 0.0024%; no homozygotes.

Submissions (2):

Fulgent Genetics
Classification: Uncertain significance for Familial hypokalemia-hypomagnesemia. Last evaluated: 2024-02-27. Review status: criteria provided, single submitter. Criteria: ACMG Guidelines, 2015. Collection method: clinical testing. Allele origin: germline.

Labcorp Genetics (formerly Invitae), Labcorp
Classification: Uncertain significance. Last evaluated: 2021-10-01. Review status: criteria provided, single submitter. Criteria: Invitae Variant Classification Sherloc (09022015). Collection method: clinical testing. Allele origin: germline.
Comment: This sequence change replaces valine with methionine at codon 793 of the SLC12A3 protein (p.Val793Met). The valine residue is weakly conserved and there is a small physicochemical difference between valine and methionine. This variant is present in population databases (rs761423647, ExAC 0.02%). This variant has not been reported in the literature in individuals with SLC12A3-related conditions. Algorithms developed to predict the effect of missense changes on protein structure and function output the following: SIFT: "Tolerated"; PolyPhen-2: "Benign"; Align-GVGD: "Class C0". The methionine amino acid residue is found in multiple mammalian species, suggesting that this missense change does not adversely affect protein function. These predictions have not been confirmed by published functional studies and their clinical significance is uncertain. In summary, the available evidence is currently insufficient to determine the role of this variant in disease. Therefore, it has been classified as a Variant of Uncertain Significance.